The following is an entry in ClinVar:

ClinVar aggregate classification (germline): Uncertain significance. Review status: criteria provided, multiple submitters, no conflicts (2 of 4 stars). 2 submissions from 2 submitters: Uncertain significance (2). Last evaluated 2025-02-08.

Conditions:
Inborn genetic diseases. Identifiers: MedGen C0950123, MeSH D030342.

Allele frequency attached by ClinVar (database versions not stated): ExAC 0.00001; gnomAD exomes 0.00001; gnomAD 0.00005; TOPMed 0.00006; ESP Exome Variant Server 0.00008.
gnomAD v4.1: 16 of 1,614,050 alleles (0.00099%); highest among the groups gnomAD compares: African/African-American, 0.019%; no homozygotes.

Submissions (2):

Ambry Genetics
Classification: Uncertain significance for Inborn genetic diseases. Last evaluated: 2025-02-08. Review status: criteria provided, single submitter. Criteria: Ambry Variant Classification Scheme 2023. Collection method: clinical testing. Allele origin: germline.

GeneDx
Classification: Uncertain significance. Last evaluated: 2022-04-15. Review status: criteria provided, single submitter. Criteria: GeneDx Variant Classification Process June 2021. Collection method: clinical testing. Allele origin: germline. Affected: yes.
Comment: In silico analysis supports that this missense variant has a deleterious effect on protein structure/function; Has not been previously published as pathogenic or benign to our knowledge

NM_014875.3(KIF14):c.1229T>C (p.Phe410Ser)

Gene: KIF14 (kinesin family member 14; minus strand). Cytogenetic location: 1q32.1.
Variant type: single nucleotide variant.
Coding change: c.1229T>C on transcript NM_014875.3 (MANE Select); coding-DNA position 1229, T replaced by C.
Protein change: p.Phe410Ser; replaces phenylalanine 410 with serine.
Molecular consequence: missense variant. On other transcripts: 5 prime UTR variant (1).
Genome position (GRCh38, 1-based): chr1:200,615,493, A>G on the plus strand (T>C on the coding strand, the complement: KIF14 is on the minus strand). VCF-style: chr1-200615493-A-G. GRCh37 (hg19) VCF-style: chr1-200584621-A-G.
Other names: c.-157T>C (NM_001305792.1); short protein forms F410S.
Identifiers: ClinVar variation 1710722 (VCV001710722.3), dbSNP rs372979959, ClinGen allele CA1317883.